The following is an entry in ClinVar:

ClinVar aggregate classification (germline): Likely benign (1 of 4 stars; one submission).

Allele frequency attached by ClinVar (database versions not stated): gnomAD 0.00002; TOPMed 0.00003; gnomAD exomes 0.00004; ExAC 0.00011.
gnomAD v4.1: 60 of 1,608,672 alleles (0.0037%); highest among the groups gnomAD compares: Non-Finnish European, 0.0042%; no homozygotes.

Submission:

CeGaT Center for Human Genetics Tuebingen
Classification: Likely benign. Last evaluated: 2022-03-01. Review status: criteria provided, single submitter. Criteria: CeGaT Center For Human Genetics Tuebingen Variant Classification Criteria Version 2. Collection method: clinical testing. Allele origin: germline. Affected: yes. Observed: 1 variant allele.
Comment: SEMA6B: BP4, BP7

NM_032108.4(SEMA6B):c.942C>T (p.Leu314=)

Gene: SEMA6B (semaphorin 6B; minus strand). Cytogenetic location: 19p13.3.
Variant type: single nucleotide variant.
Coding change: c.942C>T on transcript NM_032108.4 (MANE Select); coding-DNA position 942, C replaced by T.
Protein change: p.Leu314=; no amino-acid change (leucine 314 retained).
Molecular consequence: synonymous variant.
Genome position (GRCh38, 1-based): chr19:4,552,469, G>A on the plus strand (C>T on the coding strand, the complement: SEMA6B is on the minus strand). VCF-style: chr19-4552469-G-A. GRCh37 (hg19) VCF-style: chr19-4552481-G-A.
Identifiers: ClinVar variation 2649076 (VCV002649076.24), dbSNP rs778831834, ClinGen allele CA9102684.